The following is an entry in ClinVar:

NM_022124.6(CDH23):c.2332_2333del (p.Trp778fs)

Gene: CDH23 (cadherin related 23; plus strand). Cytogenetic location: 10q22.1.
Variant type: Deletion.
Coding change: c.2332_2333del on transcript NM_022124.6 (MANE Select); coding-DNA positions 2332 to 2333, 2 bases deleted (TG; older notation c.2332_2333delTG).
Protein change: p.Trp778fs; shifts the reading frame from tryptophan 778.
Molecular consequence: frameshift variant.
Genome position (GRCh38, 1-based): chr10:71,695,460-71,695,461, TG deleted; deleting any 2 consecutive bases within chr10:71,695,459-71,695,461 gives the same sequence; the c. name uses the placement nearest the transcript's 3' end. VCF-style (leftmost placement, unchanged base first): chr10-71695458-CGT-C. GRCh37 (hg19) VCF-style: chr10-73455215-CGT-C.
Other names: c.2332_2333del, p.Trp778fs (NM_001171930.2, NM_001171931.2); short protein forms W778fs.
Identifiers: ClinVar variation 4816072 (VCV004816072.1).

ClinVar aggregate classification (germline): Likely pathogenic (1 of 4 stars; one submission).

Conditions:
Usher syndrome type 1 (USH1). Also called: RETINITIS PIGMENTOSA AND CONGENITAL DEAFNESS. Identifiers: Orphanet 231169, Orphanet 886, MedGen C1568247, MONDO:0010168, OMIM 276900.

Submission:

Natera, Inc.
Classification: Likely pathogenic for Usher syndrome type 1. Last evaluated: 2024-09-05. Review status: criteria provided, single submitter. Criteria: Natera Variant Classification Schema (03/2026). Collection method: clinical testing. Allele origin: germline.
Comment: The c.2332_2333del variant in CDH23 is a frameshift variant predicted to shift the reading frame beginning at codon 778 and leads to a stop codon 18 codons downstream. This variant is expected to result in nonsense mediated decay, truncation, or a dysfunctional protein product. This variant is rare in the general population with a frequency below the threshold expected for the associated phenotype(s). Given the available evidence, this variant is classified as Likely Pathogenic.